The following is an entry in ClinVar:

NM_000197.2(HSD17B3):c.851G>A (p.Trp284Ter)

Genes: HSD17B3 (hydroxysteroid 17-beta dehydrogenase 3; minus strand), SLC35D2-HSD17B3 (SLC35D2-HSD17B3 readthrough; minus strand). Cytogenetic location: 9q22.32.
Variant type: single nucleotide variant.
Coding change: c.851G>A on transcript NM_000197.2 (MANE Select); coding-DNA position 851, G replaced by A.
Protein change: p.Trp284Ter; replaces tryptophan 284 with a stop codon.
Molecular consequence: nonsense. On other transcripts: non-coding transcript variant (1).
Genome position (GRCh38, 1-based): chr9:96,235,542, C>T on the plus strand (G>A on the coding strand, the complement: HSD17B3 is on the minus strand). VCF-style: chr9-96235542-C-T. GRCh37 (hg19) VCF-style: chr9-98997824-C-T.
Other names: short protein forms W284*.
Identifiers: ClinVar variation 2794207 (VCV002794207.4), dbSNP rs2490043463, ClinGen allele CA374121939.

ClinVar aggregate classification (germline): Likely pathogenic (1 of 4 stars; one submission).

Allele frequency attached by ClinVar (database versions not stated): gnomAD exomes below 0.00001.
gnomAD v4.1: 1 of 1,614,090 alleles (0.000062%); highest among the groups gnomAD compares: Non-Finnish European, 0.000085%; no homozygotes.

Submission:

Labcorp Genetics (formerly Invitae), Labcorp
Classification: Likely pathogenic. Last evaluated: 2023-05-30. Review status: criteria provided, single submitter. Criteria: Invitae Variant Classification Sherloc (09022015). Collection method: clinical testing. Allele origin: germline.
Comment: In summary, the currently available evidence indicates that the variant is pathogenic, but additional data are needed to prove that conclusively. Therefore, this variant has been classified as Likely Pathogenic. This variant disrupts the C-terminus of the HSD17B3 protein. Other variant(s) that disrupt this region (p.Tyr287*) have been observed in individuals with HSD17B3-related conditions (PMID: 25064799). This suggests that this may be a clinically significant region of the protein. This premature translational stop signal has been observed in individual(s) with 17β-HSD3 deficiency (PMID: 28847746). It has also been observed to segregate with disease in related individuals. This variant is not present in population databases (gnomAD no frequency). This sequence change creates a premature translational stop signal (p.Trp284*) in the HSD17B3 gene. While this is not anticipated to result in nonsense mediated decay, it is expected to disrupt the last 27 amino acid(s) of the HSD17B3 protein.

Literature cited by the submitters: PubMed 25064799; PubMed 28847746.